The following is an entry in ClinVar:

NM_000479.5(AMH):c.136C>G (p.Pro46Ala)

Gene: AMH (anti-Mullerian hormone; plus strand). Cytogenetic location: 19p13.3.
Variant type: single nucleotide variant.
Coding change: c.136C>G on transcript NM_000479.5 (MANE Select); coding-DNA position 136, C replaced by G.
Protein change: p.Pro46Ala; replaces proline 46 with alanine.
Molecular consequence: missense variant.
Genome position (GRCh38, 1-based): chr19:2,249,468, C>G. VCF-style: chr19-2249468-C-G. GRCh37 (hg19) VCF-style: chr19-2249467-C-G.
Other names: short protein forms P46A.
Identifiers: ClinVar variation 2577293 (VCV002577293.19), dbSNP rs148294311, ClinGen allele CA9062744.

ClinVar aggregate classification (germline): Uncertain significance. Review status: criteria provided, multiple submitters, no conflicts (2 of 4 stars). 2 submissions from 2 submitters: Uncertain significance (2). Last evaluated 2024-06-01.

Allele frequency attached by ClinVar (database versions not stated): ExAC 0.00014; gnomAD 0.00016; ESP Exome Variant Server 0.00023.
gnomAD v4.1: 407 of 1,606,964 alleles (0.025%); highest among the groups gnomAD compares: Non-Finnish European, 0.03%; no homozygotes.

Submissions (2):

CeGaT Center for Human Genetics Tuebingen
Classification: Uncertain significance. Last evaluated: 2024-06-01. Review status: criteria provided, single submitter. Criteria: CeGaT Center For Human Genetics Tuebingen Variant Classification Criteria Version 2. Collection method: clinical testing. Allele origin: germline. Affected: yes. Observed: 1 variant allele.
Comment: AMH: PM2, BP4

Women's Health and Genetics/Laboratory Corporation of America, LabCorp
Classification: Uncertain significance. Last evaluated: 2023-07-24. Review status: criteria provided, single submitter. Criteria: LabCorp Variant Classification Summary - May 2015. Collection method: clinical testing. Allele origin: germline.
Comment: Variant summary: AMH c.136C>G (p.Pro46Ala) results in a non-conservative amino acid change in the encoded protein sequence. Four of five in-silico tools predict a benign effect of the variant on protein function. The variant allele was found at a frequency of 0.00011 in 236504 control chromosomes, predominantly at a frequency of 0.00022 within the Non-Finnish European subpopulation in the gnomAD database. This frequency is not significantly higher than estimated for a pathogenic variant in AMH causing Persistent Mullerian duct syndrome, allowing no conclusion about variant significance. c.136C>G has been reported in the literature in heterozygous individuals affected with Polycystic ovary syndrome or Kallman syndrome without evidence of causation (e.g. Gorsic_2017, Dwyer_2023). These report(s) do not provide unequivocal conclusions about association of the variant with Persistent Mullerian duct syndrome. Two publications report experimental evidence evaluating an impact on protein function, showing mild signaling impairment in in vitro systems (e.g. Gorsic_2017, Gorsic_2019), however, none of these studies allows convincing conclusions about the variant effect. The following publications have been ascertained in the context of this evaluation (PMID: 28505284, 30786001, 36268624). No submitters have cited clinical-significance assessments for this variant to ClinVar after 2014. Based on the evidence outlined above, the variant was classified as uncertain significance.

Literature cited by the submitters: PubMed 36268624 (cited by Women's Health and Genetics/Laboratory Corporation of America, LabCorp); PubMed 28505284 (cited by Women's Health and Genetics/Laboratory Corporation of America, LabCorp); PubMed 30786001 (cited by Women's Health and Genetics/Laboratory Corporation of America, LabCorp).